The following is an entry in ClinVar:

NM_004006.3(DMD):c.3304C>T (p.Gln1102Ter)

Gene: DMD (dystrophin; minus strand). Cytogenetic location: Xp21.1.
Variant type: single nucleotide variant.
Coding change: c.3304C>T on transcript NM_004006.3 (MANE Select); coding-DNA position 3304, C replaced by T.
Protein change: p.Gln1102Ter; replaces glutamine 1102 with a stop codon.
Molecular consequence: nonsense.
Genome position (GRCh38, 1-based): chrX:32,463,567, G>A on the plus strand (C>T on the coding strand, the complement: DMD is on the minus strand). VCF-style: chrX-32463567-G-A. GRCh37 (hg19) VCF-style: chrX-32481684-G-A.
Other names: c.3280C>T, p.Gln1094Ter (NM_000109.4); c.3292C>T, p.Gln1098Ter (NM_004009.3); c.2935C>T, p.Gln979Ter (NM_004010.3); short protein forms Q1094*, Q1098*, Q1102*, Q979*.
Identifiers: ClinVar variation 2737163 (VCV002737163.3), dbSNP rs2148419679, ClinGen allele CA412664576.

ClinVar aggregate classification (germline): Pathogenic (1 of 4 stars; one submission).

Conditions:
Duchenne muscular dystrophy (DMD). Also called: MUSCULAR DYSTROPHY, PSEUDOHYPERTROPHIC PROGRESSIVE, DUCHENNE TYPE; Duchenne Muscular Dystrophy (DMD). Identifiers: Orphanet 98896, MedGen C0013264, MONDO:0010679, OMIM 310200.

Submission:

Labcorp Genetics (formerly Invitae), Labcorp
Classification: Pathogenic for Duchenne muscular dystrophy. Last evaluated: 2023-12-22. Review status: criteria provided, single submitter. Criteria: Invitae Variant Classification Sherloc (09022015). Collection method: clinical testing. Allele origin: germline.
Comment: This sequence change creates a premature translational stop signal (p.Gln1102*) in the DMD gene. It is expected to result in an absent or disrupted protein product. Loss-of-function variants in DMD are known to be pathogenic (PMID: 16770791, 25007885). This variant is not present in population databases (gnomAD no frequency). This premature translational stop signal has been observed in individual(s) with Duchenne and Becker muscular dystrophies (PMID: 27593222). Algorithms developed to predict the effect of sequence changes on RNA splicing suggest that this variant may disrupt the consensus splice site. For these reasons, this variant has been classified as Pathogenic.

Literature cited by the submitters: PubMed 16770791; PubMed 25007885; PubMed 27593222.